The following is an entry in ClinVar:

ClinVar aggregate classification (germline): Uncertain significance (1 of 4 stars; one submission).

Conditions:
Bloom syndrome (BLM). Also called: Bloom-Torre-Machacek syndrome. Identifiers: Orphanet 125, MedGen C0005859, MONDO:0008876, OMIM 210900.

Submission:

Labcorp Genetics (formerly Invitae), Labcorp
Classification: Uncertain significance for Bloom syndrome. Last evaluated: 2019-10-11. Review status: criteria provided, single submitter. Criteria: Invitae Variant Classification Sherloc (09022015). Collection method: clinical testing. Allele origin: germline.
Comment: This variant has not been reported in the literature in individuals with BLM-related conditions. Algorithms developed to predict the effect of missense changes on protein structure and function are either unavailable or do not agree on the potential impact of this missense change (SIFT: "Tolerated"; PolyPhen-2: "Possibly Damaging"; Align-GVGD: "Class C0"). In summary, the available evidence is currently insufficient to determine the role of this variant in disease. Therefore, it has been classified as a Variant of Uncertain Significance. This sequence change replaces lysine with asparagine at codon 578 of the BLM protein (p.Lys578Asn). The lysine residue is weakly conserved and there is a moderate physicochemical difference between lysine and asparagine. This variant is not present in population databases (ExAC no frequency).

NM_000057.4(BLM):c.1734A>C (p.Lys578Asn)

Gene: BLM (BLM RecQ like helicase; plus strand). Cytogenetic location: 15q26.1.
Variant type: single nucleotide variant.
Coding change: c.1734A>C on transcript NM_000057.4 (MANE Select); coding-DNA position 1734, A replaced by C.
Protein change: p.Lys578Asn; replaces lysine 578 with asparagine.
Molecular consequence: missense variant.
Genome position (GRCh38, 1-based): chr15:90,761,107, A>C. VCF-style: chr15-90761107-A-C. GRCh37 (hg19) VCF-style: chr15-91304337-A-C.
Other names: c.1734A>C, p.Lys578Asn (NM_001287246.2, NM_001287247.2); c.609A>C, p.Lys203Asn (NM_001287248.2); short protein forms K203N, K578N.
Identifiers: ClinVar variation 957204 (VCV000957204.10), dbSNP rs1895974192, ClinGen allele CA393843731.